The following is an entry in ClinVar:

ClinVar aggregate classification (germline): Likely benign (1 of 4 stars; one submission).

Allele frequency attached by ClinVar (database versions not stated): 1000 Genomes Project 0.00020; 1000 Genomes Project 30x 0.00031; gnomAD 0.00096; TOPMed 0.00098; ESP Exome Variant Server 0.00138.
gnomAD v4.1: 1,262 of 1,614,004 alleles (0.078%); highest among the groups gnomAD compares: African/African-American, 0.031%; 13 homozygotes.

Submission:

CeGaT Center for Human Genetics Tuebingen
Classification: Likely benign. Last evaluated: 2023-08-01. Review status: criteria provided, single submitter. Criteria: CeGaT Center For Human Genetics Tuebingen Variant Classification Criteria Version 2. Collection method: clinical testing. Allele origin: germline. Affected: yes. Observed: 1 variant allele.
Comment: FLG: BP4

NM_002016.2(FLG):c.2734C>T (p.Arg912Cys)

Genes: CCDST (cervical cancer associated DHX9 suppressive transcript; plus strand), FLG (filaggrin; minus strand). Cytogenetic location: 1q21.3.
Variant type: single nucleotide variant.
Coding change: c.2734C>T on transcript NM_002016.2 (MANE Select); coding-DNA position 2734, C replaced by T.
Protein change: p.Arg912Cys; replaces arginine 912 with cysteine.
Molecular consequence: missense variant.
Genome position (GRCh38, 1-based): chr1:152,312,152, G>A on the plus strand (C>T on the coding strand, the complement: FLG is on the minus strand). VCF-style: chr1-152312152-G-A. GRCh37 (hg19) VCF-style: chr1-152284628-G-A.
Other names: short protein forms R912C.
Identifiers: ClinVar variation 2639307 (VCV002639307.24), dbSNP rs147145635, ClinGen allele CA1107022.